The following is an entry in ClinVar:

ClinVar aggregate classification (germline): Uncertain significance (1 of 4 stars; one submission).

Submission:

Ambry Genetics
Classification: Uncertain significance. Last evaluated: 2024-01-13. Review status: criteria provided, single submitter. Criteria: Ambry Variant Classification Scheme 2023. Collection method: clinical testing. Allele origin: germline.
Comment: The p.S745P variant (also known as c.2233T>C), located in coding exon 20 of the SLMAP gene, results from a T to C substitution at nucleotide position 2233. The serine at codon 745 is replaced by proline, an amino acid with similar properties. This amino acid position is conserved. In addition, the in silico prediction for this alteration is inconclusive. Since supporting evidence is limited at this time, the clinical significance of this alteration remains unclear.

NM_001377540.1(SLMAP):c.2335T>C (p.Ser779Pro)

Gene: SLMAP (sarcolemma associated protein; plus strand). Cytogenetic location: 3p14.3.
Variant type: single nucleotide variant.
Coding change: c.2335T>C on transcript NM_001377540.1 (MANE Select); coding-DNA position 2335, T replaced by C.
Protein change: p.Ser779Pro; replaces serine 779 with proline.
Molecular consequence: missense variant. On other transcripts: non-coding transcript variant (1).
Genome position (GRCh38, 1-based): chr3:57,922,913, T>C. VCF-style: chr3-57922913-T-C. GRCh37 (hg19) VCF-style: chr3-57908640-T-C.
Other names: c.2284T>C, p.Ser762Pro (NM_001304420.3, NM_001377541.1, NM_001377542.1); c.2170T>C, p.Ser724Pro (NM_001304421.2, NM_001377557.1, NM_001377559.1); c.886T>C, p.Ser296Pro (NM_001304422.3, NM_001311178.2); c.688T>C, p.Ser230Pro (NM_001304423.3); c.2356T>C, p.Ser786Pro (NM_001377538.1); c.2335T>C, p.Ser779Pro (NM_001377539.1); c.2272T>C, p.Ser758Pro (NM_001377545.1); c.2233T>C, p.Ser745Pro (NM_001377549.1, NM_007159.5); and 8 more; short protein forms S230P, S255P, S296P, S683P, S700P, S704P, S717P, S721P.
Identifiers: ClinVar variation 3226004 (VCV003226004.1), dbSNP rs2476545674, ClinGen allele CA353410631.